The following is an entry in ClinVar:

ClinVar aggregate classification (germline): Conflicting classifications of pathogenicity. Review status: criteria provided, conflicting classifications (1 of 4 stars). 3 submissions from 3 submitters: Uncertain significance (1); Likely benign (1). 1 of the submissions does not count toward it. Last evaluated 2019-12-31.

Conditions:
TBX22-related disorder. Also called: TBX22-related condition.
Cleft palate with or without ankyloglossia, X-linked. Identifiers: Orphanet 324601, MedGen C1844830, MONDO:0010560, OMIM 303400.

Allele frequency attached by ClinVar (database versions not stated): 1000 Genomes Project 30x 0.00021; 1000 Genomes Project 0.00053; ExAC 0.00087; gnomAD exomes 0.00098; ESP Exome Variant Server 0.00104; gnomAD 0.00128 and 0.00133; TOPMed 0.00220.
gnomAD v4.1: 995 of 1,209,292 alleles (0.082%); highest among the groups gnomAD compares: Admixed American, 0.21%; 1 homozygote.

Submissions (3):

Labcorp Genetics (formerly Invitae), Labcorp
Classification: Likely benign. Last evaluated: 2019-12-31. Review status: criteria provided, single submitter. Criteria: Invitae Variant Classification Sherloc (09022015). Collection method: clinical testing. Allele origin: germline.

Illumina Laboratory Services, Illumina
Classification: Uncertain significance for Cleft palate with or without ankyloglossia, X-linked. Last evaluated: 2018-01-12. Review status: criteria provided, single submitter. Criteria: ICSL Variant Classification Criteria 13 December 2019. Collection method: clinical testing. Allele origin: germline.

PreventionGenetics, part of Exact Sciences
Classification: Benign for TBX22-related condition. Last evaluated: 2020-02-28. Review status: no assertion criteria provided. Collection method: clinical testing. Allele origin: germline. Not counted in ClinVar's aggregate classification.
Comment: This variant is classified as benign based on ACMG/AMP sequence variant interpretation guidelines (Richards et al. 2015 PMID: 25741868, with internal and published modifications).

NM_001109878.2(TBX22):c.1488C>T (p.Asp496=)

Gene: TBX22 (T-box transcription factor 22). Cytogenetic location: Xq21.1.
Variant type: single nucleotide variant.
Coding change: c.1488C>T on transcript NM_001109878.2 (MANE Select); coding-DNA position 1488, C replaced by T.
Protein change: p.Asp496=; no amino-acid change (aspartic acid 496 retained).
Molecular consequence: synonymous variant.
Genome position (GRCh38, 1-based): chrX:80,031,036, C>T. VCF-style: chrX-80031036-C-T. GRCh37 (hg19) VCF-style: chrX-79286535-C-T.
Other names: c.1128C>T, p.Asp376= (NM_001109879.2, NM_001303475.1); c.1488C>T, p.Asp496= (NM_016954.2).
Identifiers: ClinVar variation 713489 (VCV000713489.10), dbSNP rs35602350, ClinGen allele CA10461415.